The following is an entry in ClinVar:

ClinVar aggregate classification (germline): Uncertain significance (1 of 4 stars; one submission).

Conditions:
Arginine:glycine amidinotransferase deficiency (CCDS3). Also called: L-Arginine:Glycine Amidinotransferase Deficiency; L-Arginine:Glycine Amidinotransferase (AGAT) Deficiency; AGAT deficiency; Creatine deficiency syndrome due to AGAT deficiency; GATM deficiency; Cerebral creatine deficiency syndrome 3. Identifiers: Orphanet 35704, MedGen C2675179, MONDO:0012996, OMIM 612718.

Submission:

Labcorp Genetics (formerly Invitae), Labcorp
Classification: Uncertain significance for Arginine:glycine amidinotransferase deficiency. Last evaluated: 2018-11-13. Review status: criteria provided, single submitter. Criteria: Invitae Variant Classification Sherloc (09022015). Collection method: clinical testing. Allele origin: germline.
Comment: In summary, the available evidence is currently insufficient to determine the role of this variant in disease. Therefore, it has been classified as a Variant of Uncertain Significance. Nucleotide substitutions within the consensus splice site are a relatively common cause of aberrant splicing (PMID: 17576681, 9536098). Algorithms developed to predict the effect of sequence changes on RNA splicing suggest that this variant is not likely to affect RNA splicing, but this prediction has not been confirmed by published transcriptional studies. This variant has not been reported in the literature in individuals with GATM-related disease. This variant is not present in population databases (ExAC no frequency). This sequence change falls in intron 3 of the GATM gene. It does not directly change the encoded amino acid sequence of the GATM protein, but it affects a nucleotide within the consensus splice site of the intron.

Literature cited by the submitters: PubMed 17576681; PubMed 9536098.

NM_001482.3(GATM):c.484+3A>G

Gene: GATM (glycine amidinotransferase; minus strand). Cytogenetic location: 15q21.1.
Variant type: single nucleotide variant.
Coding change: c.484+3A>G on transcript NM_001482.3 (MANE Select); 3 bases into the intron after coding-DNA position 484, A replaced by G.
Molecular consequence: intron variant.
Genome position (GRCh38, 1-based): chr15:45,369,323, T>C on the plus strand (A>G on the coding strand, the complement: GATM is on the minus strand). VCF-style: chr15-45369323-T-C. GRCh37 (hg19) VCF-style: chr15-45661521-T-C.
Other names: c.97+3A>G (NM_001321015.2).
Identifiers: ClinVar variation 665825 (VCV000665825.6), dbSNP rs1595483673, ClinGen allele CA915946573.